The following is an entry in ClinVar:

ClinVar aggregate classification (germline): Uncertain significance. Review status: criteria provided, multiple submitters, no conflicts (2 of 4 stars). 3 submissions from 3 submitters: Uncertain significance (2). 1 of the submissions does not count toward it. Last evaluated 2024-08-01.

Conditions:
GNE myopathy (NM). Also called: INCLUSION BODY MYOPATHY, HEREDITARY, AUTOSOMAL RECESSIVE; INCLUSION BODY MYOPATHY 2, AUTOSOMAL RECESSIVE; MYOPATHY, DISTAL, WITH OR WITHOUT RIMMED VACUOLES; IBM 2; Inclusion body myopathy autosomal recessive; Inclusion body myopathy quadriceps sparing. Identifiers: Orphanet 602, MedGen C1853926, MONDO:0011603, OMIM 605820.

Allele frequency attached by ClinVar (database versions not stated): gnomAD exomes below 0.00001; TOPMed below 0.00001.
gnomAD v4.1: 1 of 1,613,900 alleles (0.000062%); highest among the groups gnomAD compares: Non-Finnish European, 0.000085%; no homozygotes.

Submissions (3):

Women's Health and Genetics/Laboratory Corporation of America, LabCorp
Classification: Uncertain significance. Last evaluated: 2024-08-01. Review status: criteria provided, single submitter. Criteria: LabCorp Variant Classification Summary - May 2015. Collection method: clinical testing. Allele origin: germline.
Comment: Variant summary: GNE c.841C>A (p.Leu281Met) results in a conservative amino acid change located in the UDP-N-acetylglucosamine 2-epimerase domain (IPR003331) of the encoded protein sequence. Four of five in-silico tools predict a damaging effect of the variant on protein function. The variant allele was found at a frequency of 4e-06 in 251416 control chromosomes. The available data on variant occurrences in the general population are insufficient to allow any conclusion about variant significance. c.841C>A has been reported in the literature in the presumed compound heterozygous state in at least 1 individual affected with clinical features of autosomal recessive Inclusion Body Myopathy 2 (example, Chaouch_2014). These report(s) do not provide unequivocal conclusions about association of the variant with GNE-related conditions. To our knowledge, no experimental evidence demonstrating an impact on protein function has been reported. The following publication has been ascertained in the context of this evaluation (PMID: 24695763). ClinVar contains an entry for this variant (Variation ID: 283249). Based on the evidence outlined above, the variant was classified as uncertain significance.

Eurofins Ntd Llc (ga)
Classification: Uncertain significance. Last evaluated: 2015-09-10. Review status: criteria provided, single submitter. Criteria: EGL Classification Definitions 2015. Collection method: clinical testing. Allele origin: germline. Observed: 1 variant allele, 1 heterozygote.

Counsyl
Classification: Uncertain significance for GNE myopathy. Last evaluated: 2017-04-21. Review status: no assertion criteria provided. Collection method: clinical testing. Allele origin: unknown. Not counted in ClinVar's aggregate classification.

Literature cited by the submitters: PubMed 24695763 (cited by Women's Health and Genetics/Laboratory Corporation of America, LabCorp and Counsyl).

NM_005476.7(GNE):c.748C>A (p.Leu250Met)

Gene: GNE (glucosamine (UDP-N-acetyl)-2-epimerase/N-acetylmannosamine kinase; minus strand). Cytogenetic location: 9p13.3.
Variant type: single nucleotide variant.
Coding change: c.748C>A on transcript NM_005476.7 (MANE Select); coding-DNA position 748, C replaced by A.
Protein change: p.Leu250Met; replaces leucine 250 with methionine.
Molecular consequence: missense variant. On other transcripts: intron variant (2).
Genome position (GRCh38, 1-based): chr9:36,236,853, G>T on the plus strand (C>A on the coding strand, the complement: GNE is on the minus strand). VCF-style: chr9-36236853-G-T. GRCh37 (hg19) VCF-style: chr9-36236850-G-T.
Other names: c.841C>A, p.Leu281Met (NM_001128227.3); c.748C>A, p.Leu250Met (NM_001190383.3); c.571C>A, p.Leu191Met (NM_001190388.2, NM_001374798.1); c.440-2721C>A (NM_001190384.3); c.617-2721C>A (NM_001374797.1); short protein forms L250M, L281M, L191M.
Identifiers: ClinVar variation 283249 (VCV000283249.7), dbSNP rs886042585, ClinGen allele CA10604438.